The following is an entry in ClinVar:

NM_001004311.3(FIGLA):c.250G>A (p.Gly84Ser)

Gene: FIGLA (folliculogenesis specific bHLH transcription factor; minus strand). Cytogenetic location: 2p13.3.
Variant type: single nucleotide variant.
Coding change: c.250G>A on transcript NM_001004311.3 (MANE Select); coding-DNA position 250, G replaced by A.
Protein change: p.Gly84Ser; replaces glycine 84 with serine.
Molecular consequence: missense variant.
Genome position (GRCh38, 1-based): chr2:70,787,783, C>T on the plus strand (G>A on the coding strand, the complement: FIGLA is on the minus strand). VCF-style: chr2-70787783-C-T. GRCh37 (hg19) VCF-style: chr2-71014915-C-T.
Other names: short protein forms G84S.
Identifiers: ClinVar variation 4755630 (VCV004755630.1).

ClinVar aggregate classification (germline): Uncertain significance (1 of 4 stars; one submission).

Submission:

GeneDx
Classification: Uncertain significance. Last evaluated: 2025-08-06. Review status: criteria provided, single submitter. Criteria: GeneDx Variant Classification Process June 2021. Collection method: clinical testing. Allele origin: germline. Affected: yes.
Comment: In silico analysis supports that this missense variant has a deleterious effect on protein structure/function; Has not been previously published as pathogenic or benign to our knowledge